The following is an entry in ClinVar:

ClinVar aggregate classification (germline): Pathogenic/Likely pathogenic. Review status: criteria provided, multiple submitters, no conflicts (2 of 4 stars). 7 submissions from 7 submitters: Pathogenic (5); Likely pathogenic (1). 1 of the submissions does not count toward it. Last evaluated 2025-06-18.

Conditions:
Hereditary cancer-predisposing syndrome. Also called: Hereditary Cancer Syndrome; Neoplastic Syndromes, Hereditary; Tumor predisposition; Hereditary neoplastic syndrome. Identifiers: Orphanet 140162, MedGen C0027672, MeSH D009386, MONDO:0015356.
Familial cancer of breast. Also called: BREAST CANCER, FAMILIAL; Hereditary breast cancer; hereditary breast carcinoma. Identifiers: Orphanet 227535, MedGen C0346153, MONDO:0016419, OMIM 114480. Disease mechanism: loss of function.
Ataxia-telangiectasia syndrome (AT). Also called: Ataxia-telangiectasia, complementation group D; AT, COMPLEMENTATION GROUP C; ATAXIA-TELANGIECTASIA, COMPLEMENTATION GROUP A; ATAXIA-TELANGIECTASIA, FRESNO VARIANT; Ataxia-telangiectasia; LOUIS-BAR SYNDROME. Identifiers: Orphanet 100, MedGen C0004135, MONDO:0008840, OMIM 208900.

Submissions (7):

Ambry Genetics
Classification: Pathogenic for Hereditary cancer-predisposing syndrome. Last evaluated: 2025-06-18. Review status: criteria provided, single submitter. Criteria: Ambry Variant Classification Scheme 2023. Collection method: clinical testing. Allele origin: germline.
Comment: The p.M1? pathogenic mutation (also known as c.1A>C), located in coding exon 1 of the ATM gene and results from an A to C substitution at nucleotide position 1. This alters the methionine residue at the initiation codon (ATG). This mutation was identified in 1/1207 cases of BRCA1/2-negative French women diagnosed with breast cancer who had a sister with breast cancer and in 0/1199 general population controls (Girard E et al. Int J Cancer. 2019 04;144(8):1962-74). This variant has also been identified in 1/312 individuals with gastroesophageal junction adenocarcinoma (El Jabbour T. J Natl Cancer Inst. 2022 May;114(5):761-770). Two other disease-causing mutations at the initiation codon, c.3G>A and c.2T>C, have been reported in a compound heterozygous state in patients with Ataxia Telangectasia (AT) (Gilad S, Hum. Mol. Genet. 1996 Apr; 5(4):433-9. Buzin CH, Hum. Mutat. 2003 Feb; 21(2):123-31). Functional analysis of the two alterations independently revealed that the c.1A>G allele produced very low protein levels, and the protein that was produced was of a lower molecular weight than wild type ATM suggesting initiation at a downstream methionine resulting in a premature truncation codon (Byrd PJ, Br. J. Cancer 2012 Jan; 106(2):262-8). This amino acid position is highly conserved in available vertebrate species. In addition to the clinical data presented in the literature, sequence variations that modify the initiation codon are expected to result in either loss of translation initiation, N-terminal truncation, or cause a shift in the mRNA reading frame. Based on the supporting evidence, this alteration is interpreted as a disease-causing mutation.

Labcorp Genetics (formerly Invitae), Labcorp
Classification: Pathogenic for Ataxia-telangiectasia syndrome. Last evaluated: 2025-03-26. Review status: criteria provided, single submitter. Criteria: Invitae Variant Classification Sherloc (09022015). Collection method: clinical testing. Allele origin: germline.
Comment: This sequence change affects the initiator methionine of the ATM mRNA. The next in-frame methionine is located at codon 94. This variant is not present in population databases (gnomAD no frequency). Disruption of the initiator codon has been observed in individuals with ataxia-telangiectasia (PMID: 9463314, 12552559, 21792198, 22649200). ClinVar contains an entry for this variant (Variation ID: 187213). For these reasons, this variant has been classified as Pathogenic.

Color Diagnostics, LLC DBA Color Health
Classification: Pathogenic for Hereditary cancer-predisposing syndrome. Last evaluated: 2024-07-26. Review status: criteria provided, single submitter. Criteria: ACMG Guidelines, 2015. Collection method: clinical testing. Allele origin: germline.
Comment: This variant results in the loss of translation initiation methionine codon 1 of the ATM protein. This variant is expected to result in an absent or non-functional protein product. To our knowledge, functional studies have not been reported for this variant. This variant has not been identified in the general population by the Genome Aggregation Database (gnomAD). A different translation initiation codon loss variant (ATM c.2T>C / p.Met1?) is a well documented pathogenic variant (Clinvar variation ID: 187213). Based on the available evidence, this variant is classified as Pathogenic.

Myriad Genetics, Inc.
Classification: Pathogenic for Familial cancer of breast. Last evaluated: 2024-01-10. Review status: criteria provided, single submitter. Criteria: Myriad Autosomal Dominant, Autosomal Recessive and X-Linked Classification Criteria (2023). Collection method: clinical testing. Allele origin: unknown.
Comment: This variant is considered pathogenic. This variant is located within the gene translation start codon (p.Met1?) and is predicted to result in abnormal protein translation. This variant has been reported in multiple individuals with clinical features of gene-specific disease [PMID: 21665257, 9463314, 21792198, 12552559, 22649200, 22146522, 30549301].

Women's Health and Genetics/Laboratory Corporation of America, LabCorp
Classification: Likely pathogenic for Ataxia-telangiectasia syndrome. Last evaluated: 2017-10-20. Review status: criteria provided, single submitter. Criteria: LabCorp Variant Classification Summary - May 2015. Collection method: clinical testing. Allele origin: germline.
Comment: Variant summary: The ATM c.1A>C (p.Met1Leu) variant involves the alteration of a conserved nucleotide causing a substitution of initiation codon in exon 2 and is located in the Telomere-length maintenance and DNA damage repair domain (IPR021668) (InterPro). 2/4 in silico tools predict a damaging outcome for this variant (SNPsandGO not captured due to low reliability index). Since this variant affects the initiation codon, it is expected to alter the translation of ATM protein. Two other substitution variants in the initiation codon (p.Met1Ile and p.Met1Thr) have been classified as likely pathogenic/pathogenic by our laboratory. This variant is absent in 215414 control chromosomes in gnomAD. One clinical diagnostic laboratory has classified this variant as pathogenic. The variant of interest has not, to our knowledge, been reported in affected individuals via publications; nor evaluated for functional impact by in vivo/vitro studies. Taken together, this variant is classified as likely pathogenic.

Baylor Genetics
Classification: Pathogenic for Ataxia-telangiectasia syndrome. Last evaluated: 2017-09-01. Review status: criteria provided, single submitter. Criteria: ACMG Guidelines, 2015. Collection method: clinical testing. Allele origin: maternal. Inheritance: Autosomal recessive inheritance. Affected: yes.
Comment: This start codon mutation is categorized as deleterious according to ACMG guidelines (PMID:18414213).

Counsyl
Classification: Likely pathogenic for Ataxia-telangiectasia syndrome. Last evaluated: 2017-01-20. Review status: no assertion criteria provided. Collection method: clinical testing. Allele origin: unknown. Not counted in ClinVar's aggregate classification.

Literature cited by the submitters: PubMed 12552559 (cited by 3 submitters); PubMed 22146522 (cited by Ambry Genetics and Myriad Genetics, Inc.); PubMed 30303537 (cited by Ambry Genetics); PubMed 35078243 (cited by Ambry Genetics); PubMed 8845835 (cited by Ambry Genetics); PubMed 9463314 (cited by Labcorp Genetics (formerly Invitae), Labcorp and Myriad Genetics, Inc.); PubMed 21792198 (cited by Labcorp Genetics (formerly Invitae), Labcorp and Myriad Genetics, Inc.); PubMed 22649200 (cited by Labcorp Genetics (formerly Invitae), Labcorp and Myriad Genetics, Inc.); PubMed 21665257 (cited by Myriad Genetics, Inc.); PubMed 30549301 (cited by Myriad Genetics, Inc.); PubMed 25326635 (cited by Baylor Genetics).

NM_000051.4(ATM):c.1A>C (p.Met1Leu)

Gene: ATM (ATM serine/threonine kinase; plus strand). Cytogenetic location: 11q22.3.
Variant type: single nucleotide variant.
Coding change: c.1A>C on transcript NM_000051.4 (MANE Select); coding-DNA position 1, A replaced by C.
Protein change: p.Met1Leu; changes the start codon (methionine 1).
Molecular consequence: missense variant, initiator codon variant.
Genome position (GRCh38, 1-based): chr11:108,227,625, A>C. VCF-style: chr11-108227625-A-C. GRCh37 (hg19) VCF-style: chr11-108098352-A-C.
Other names: c.1A>C, p.Met1Leu (NM_001351834.2, NM_001351835.2, NM_001351836.2); short protein forms M1L.
Identifiers: ClinVar variation 187213 (VCV000187213.24), dbSNP rs730881359, ClinGen allele CA197028.